The following is an entry in ClinVar:

NM_001371727.1(GABRB2):c.181G>T (p.Ala61Ser)

Gene: GABRB2 (gamma-aminobutyric acid type A receptor subunit beta2; minus strand). Cytogenetic location: 5q34.
Variant type: single nucleotide variant.
Coding change: c.181G>T on transcript NM_001371727.1 (MANE Select); coding-DNA position 181, G replaced by T.
Protein change: p.Ala61Ser; replaces alanine 61 with serine.
Molecular consequence: missense variant.
Genome position (GRCh38, 1-based): chr5:161,545,283, C>A on the plus strand (G>T on the coding strand, the complement: GABRB2 is on the minus strand). VCF-style: chr5-161545283-C-A. GRCh37 (hg19) VCF-style: chr5-160972289-C-A.
Other names: c.181G>T, p.Ala61Ser (NM_000813.3, NM_021911.3); short protein forms A61S.
Identifiers: ClinVar variation 855104 (VCV000855104.11), dbSNP rs747969321, ClinGen allele CA3543645.

ClinVar aggregate classification (germline): Uncertain significance. Review status: criteria provided, multiple submitters, no conflicts (2 of 4 stars). 2 submissions from 2 submitters: Uncertain significance (2). Last evaluated 2019-11-19.

Conditions:
Developmental and epileptic encephalopathy 92. Also called: EPILEPTIC ENCEPHALOPATHY, INFANTILE OR EARLY CHILDHOOD, 2. Identifiers: MedGen C4693362, MONDO:0020631, OMIM 617829.
Intellectual disability. Also called: Intellectual developmental disorder; Intellectual functioning disability; intellectual disabilities. Identifiers: MedGen C3714756, MeSH D008607, MONDO:0001071, HP:0001249.

Allele frequency attached by ClinVar (database versions not stated): gnomAD exomes below 0.00001; ExAC 0.00001.
gnomAD v4.1: 2 of 1,601,440 alleles (0.00012%); highest among the groups gnomAD compares: Non-Finnish European, 0.00017%; no homozygotes.

Submissions (2):

Baylor Genetics
Classification: Uncertain significance for Developmental and epileptic encephalopathy 92. Last evaluated: 2019-11-19. Review status: criteria provided, single submitter. Criteria: ACMG Guidelines, 2015. Collection method: clinical testing. Allele origin: unknown. Affected: yes.
Comment: This variant was determined to be of uncertain significance according to ACMG Guidelines, 2015 [PMID:25741868].

Labcorp Genetics (formerly Invitae), Labcorp
Classification: Uncertain significance for Intellectual disability. Last evaluated: 2019-04-08. Review status: criteria provided, single submitter. Criteria: Invitae Variant Classification Sherloc (09022015). Collection method: clinical testing. Allele origin: germline.
Comment: In summary, the available evidence is currently insufficient to determine the role of this variant in disease. Therefore, it has been classified as a Variant of Uncertain Significance. Algorithms developed to predict the effect of missense changes on protein structure and function (SIFT, PolyPhen-2, Align-GVGD) all suggest that this variant is likely to be tolerated, but these predictions have not been confirmed by published functional studies and their clinical significance is uncertain. This variant has not been reported in the literature in individuals with GABRB2-related conditions. This variant is present in population databases (rs747969321, ExAC 0.002%). This sequence change replaces alanine with serine at codon 61 of the GABRB2 protein (p.Ala61Ser). The alanine residue is moderately conserved and there is a moderate physicochemical difference between alanine and serine.